The following is an entry in ClinVar:

NM_007118.4(TRIO):c.7309G>T (p.Ala2437Ser)

Gene: TRIO (trio Rho guanine nucleotide exchange factor; plus strand). Cytogenetic location: 5p15.2.
Variant type: single nucleotide variant.
Coding change: c.7309G>T on transcript NM_007118.4 (MANE Select); coding-DNA position 7309, G replaced by T.
Protein change: p.Ala2437Ser; replaces alanine 2437 with serine.
Molecular consequence: missense variant.
Genome position (GRCh38, 1-based): chr5:14,487,937, G>T. VCF-style: chr5-14487937-G-T. GRCh37 (hg19) VCF-style: chr5-14488046-G-T.
Other names: short protein forms A2437S.
Identifiers: ClinVar variation 2126169 (VCV002126169.4), dbSNP rs773401747, ClinGen allele CA359237226.

ClinVar aggregate classification (germline): Uncertain significance (1 of 4 stars; one submission).

gnomAD v4.1: 1 of 1,543,222 alleles (0.000065%); highest among the groups gnomAD compares: Admixed American, 0.002%; no homozygotes.

Submission:

Labcorp Genetics (formerly Invitae), Labcorp
Classification: Uncertain significance. Last evaluated: 2022-04-15. Review status: criteria provided, single submitter. Criteria: Invitae Variant Classification Sherloc (09022015). Collection method: clinical testing. Allele origin: germline.
Comment: In summary, the available evidence is currently insufficient to determine the role of this variant in disease. Therefore, it has been classified as a Variant of Uncertain Significance. Advanced modeling of protein sequence and biophysical properties (such as structural, functional, and spatial information, amino acid conservation, physicochemical variation, residue mobility, and thermodynamic stability) performed at Invitae indicates that this missense variant is not expected to disrupt TRIO protein function. This variant has not been reported in the literature in individuals affected with TRIO-related conditions. This variant is not present in population databases (gnomAD no frequency). This sequence change replaces alanine, which is neutral and non-polar, with serine, which is neutral and polar, at codon 2437 of the TRIO protein (p.Ala2437Ser).